The following is an entry in ClinVar:

ClinVar aggregate classification (germline): Pathogenic (1 of 4 stars; one submission).

Conditions:
Hereditary cancer-predisposing syndrome. Also called: Tumor predisposition; Neoplastic Syndromes, Hereditary; Hereditary Cancer Syndrome; Hereditary neoplastic syndrome. Identifiers: Orphanet 140162, MedGen C0027672, MeSH D009386, MONDO:0015356.

Submission:

Ambry Genetics
Classification: Pathogenic for Hereditary cancer-predisposing syndrome. Last evaluated: 2019-12-19. Review status: criteria provided, single submitter. Criteria: Ambry Variant Classification Scheme 2023. Collection method: clinical testing. Allele origin: germline.
Comment: The c.5992_5993delGGinsTA pathogenic mutation (also known as p.G1998*), located in coding exon 39 of the ATM gene, results from an in-frame deletion of GG and insertion of TA at nucleotide positions 5992 to 5993. This changes the amino acid from a glycine to a stop codon within coding exon 39. This alteration is expected to result in loss of function by premature protein truncation or nonsense-mediated mRNA decay. As such, this alteration is interpreted as a disease-causing mutation.

NM_000051.4(ATM):c.5992_5993delinsTA (p.Gly1998Ter)

Genes: ATM (ATM serine/threonine kinase; plus strand), C11orf65 (chromosome 11 open reading frame 65; minus strand). Cytogenetic location: 11q22.3.
Variant type: Indel.
Coding change: c.5992_5993delinsTA on transcript NM_000051.4 (MANE Select); coding-DNA positions 5992 to 5993, GG replaced by TA.
Protein change: p.Gly1998Ter; replaces glycine 1998 with a stop codon.
Molecular consequence: nonsense. On other transcripts: intron variant (2).
Genome position (GRCh38, 1-based): chr11:108,312,484-108,312,485, GG replaced by TA. VCF-style: chr11-108312484-GG-TA. GRCh37 (hg19) VCF-style: chr11-108183211-GG-TA.
Other names: c.5992_5993delinsTA, p.Gly1998Ter (NM_001351834.2); c.641-3414_641-3413delinsTA (NM_001330368.2); c.*39-3414_*39-3413delinsTA (NM_001351110.2); short protein forms G1998*.
Identifiers: ClinVar variation 826103 (VCV000826103.6), dbSNP rs1591758899, ClinGen allele CA915947644.
Genomic context (GRCh38, chr11:108,312,484, plus strand): 5'-GAAGAAGGAAGCCAGAGTACAACTATTTCTAGCTTGAGTGAAAAAAGTAAAGAAGAAACT[GG>TA]AATAAGTTTACAGGTAAATATTAGAGGCTCTATTATTTATGACAGTATTTATCTCATACT-3'